The following is an entry in ClinVar:

NM_000179.3(MSH6):c.1296T>G (p.Phe432Leu)

Gene: MSH6 (mutS homolog 6; plus strand). Cytogenetic location: 2p16.3.
Variant type: single nucleotide variant.
Coding change: c.1296T>G on transcript NM_000179.3 (MANE Select); coding-DNA position 1296, T replaced by G.
Protein change: p.Phe432Leu; replaces phenylalanine 432 with leucine.
Molecular consequence: missense variant.
Genome position (GRCh38, 1-based): chr2:47,799,279, T>G. VCF-style: chr2-47799279-T-G. GRCh37 (hg19) VCF-style: chr2-48026418-T-G.
Other names: c.906T>G, p.Phe302Leu (NM_001281492.2); c.390T>G, p.Phe130Leu (NM_001281493.2, NM_001281494.2); short protein forms F432L, F130L, F302L.
Identifiers: ClinVar variation 216294 (VCV000216294.16), dbSNP rs863224614, ClinGen allele CA337394.

ClinVar aggregate classification (germline): Conflicting classifications of pathogenicity. Review status: criteria provided, conflicting classifications (1 of 4 stars). 5 submissions from 5 submitters: Likely pathogenic (4); Uncertain significance (1). Last evaluated 2026-01-21.

Conditions:
Hereditary nonpolyposis colorectal neoplasms. Identifiers: MedGen C0009405, MeSH D003123.
Lynch syndrome 5 (LYNCH5). Also called: Hereditary non-polyposis colorectal cancer, type 5; Colorectal cancer, hereditary nonpolyposis, type 5. Identifiers: Orphanet 144, MedGen C1833477, MONDO:0013710, OMIM 614350. Disease mechanism: loss of function.
Endometrial carcinoma. Also called: Endometrial carcinoma, somatic. Identifiers: MedGen C0476089, MONDO:0002447, OMIM 608089, HP:0012114.
Hereditary cancer-predisposing syndrome. Also called: Hereditary Cancer Syndrome; Hereditary neoplastic syndrome; Neoplastic Syndromes, Hereditary; Tumor predisposition. Identifiers: Orphanet 140162, MedGen C0027672, MeSH D009386, MONDO:0015356.

Submissions (5):

Labcorp Genetics (formerly Invitae), Labcorp
Classification: Likely pathogenic for Hereditary nonpolyposis colorectal neoplasms. Last evaluated: 2026-01-21. Review status: criteria provided, single submitter. Criteria: Invitae Variant Classification Sherloc (09022015). Collection method: clinical testing. Allele origin: germline.
Comment: This sequence change replaces phenylalanine, which is neutral and non-polar, with leucine, which is neutral and non-polar, at codon 432 of the MSH6 protein (p.Phe432Leu). This variant is not present in population databases (gnomAD no frequency). This missense change has been observed in individuals with clinical features of MSH6-related conditions (PMID: 34115236, 37743058; internal data). ClinVar contains an entry for this variant (Variation ID: 216294). An algorithm developed specifically for the MSH6 gene suggests that this missense change is likely to be deleterious (PMID: 23621914). This variant disrupts the p.Phe432 amino acid residue in MSH6. Other variant(s) that disrupt this residue have been determined to be pathogenic (PMID: 24933100, 28765196, 30217226; internal data). This suggests that this residue is clinically significant, and that variants that disrupt this residue are likely to be disease-causing. In summary, the currently available evidence indicates that the variant is pathogenic, but additional data are needed to prove that conclusively. Therefore, this variant has been classified as Likely Pathogenic.

Ambry Genetics
Classification: Likely pathogenic for Hereditary cancer-predisposing syndrome. Last evaluated: 2025-07-02. Review status: criteria provided, single submitter. Criteria: Ambry Variant Classification Scheme 2023. Collection method: clinical testing. Allele origin: germline.
Comment: The p.F432L variant (also known as c.1296T>G), located in coding exon 4 of the MSH6 gene, results from a T to G substitution at nucleotide position 1296. The phenylalanine at codon 432 is replaced by leucine, an amino acid with highly similar properties. This variant was detected in an individual diagnosed with synchronous microsatellite-stable endometrial and microsatellite-high colorectal cancer (Chao AS et al. J Gynecol Oncol, 2024 Jan;35:e5). In one functional study, this variant demonstrated deficient mismatch repair activity in an in vitro complementation assay (Drost M et al. Genet Med, 2020 05;22:847-856). Based on internal structural assessment, this variant impairs formation of a specific interaction with mismatched DNA (Ambry internal data; Warren JJ et al. Mol Cell, 2007 May;26:579-92). This variant is considered to be rare based on population cohorts in the Genome Aggregation Database (gnomAD). This amino acid position is highly conserved in available vertebrate species. In addition, this alteration is predicted to be deleterious by in silico analysis. Based on the majority of available evidence to date, this variant is likely to be pathogenic.

Myriad Genetics, Inc.
Classification: Likely pathogenic for Lynch syndrome 5. Last evaluated: 2023-08-11. Review status: criteria provided, single submitter. Criteria: Myriad Autosomal Dominant, Autosomal Recessive and X-Linked Classification Criteria (2023). Collection method: clinical testing. Allele origin: unknown.
Comment: This variant is considered likely pathogenic. Functional studies indicate this variant impacts protein function [PMID: 31965077]. This variant is expected to disrupt protein structure [Myriad internal data].

Department of Pathology and Laboratory Medicine, Sinai Health System
Classification: Uncertain significance for Endometrial carcinoma; Lynch syndrome 5. Last evaluated: 2020-03-27. Review status: criteria provided, single submitter. Criteria: ACMG Guidelines, 2015. Collection method: clinical testing. Allele origin: germline. Affected: yes.

GeneDx
Classification: Likely pathogenic. Last evaluated: 2019-07-29. Review status: criteria provided, single submitter. Criteria: GeneDx Variant Classification Process June 2021. Collection method: clinical testing. Allele origin: germline. Affected: yes.
Comment: Not observed in large population cohorts (Lek et al., 2016); In silico analysis, which includes protein predictors and evolutionary conservation, supports a deleterious effect; This variant is associated with the following publications: (PMID: 24356096, 17531815, 30217226)

Literature cited by the submitters: PubMed 34115236 (cited by Labcorp Genetics (formerly Invitae), Labcorp and Ambry Genetics); PubMed 37743058 (cited by Labcorp Genetics (formerly Invitae), Labcorp and Ambry Genetics); PubMed 23621914 (cited by Labcorp Genetics (formerly Invitae), Labcorp); PubMed 24933100 (cited by Labcorp Genetics (formerly Invitae), Labcorp and Department of Pathology and Laboratory Medicine, Sinai Health System); PubMed 28765196 (cited by Labcorp Genetics (formerly Invitae), Labcorp); PubMed 30217226 (cited by Labcorp Genetics (formerly Invitae), Labcorp and Department of Pathology and Laboratory Medicine, Sinai Health System); PubMed 17531815 (cited by Ambry Genetics); PubMed 31965077 (cited by Ambry Genetics and Myriad Genetics, Inc.); PubMed 24356096 (cited by Department of Pathology and Laboratory Medicine, Sinai Health System).